The following is an entry in ClinVar:

NM_001943.5(DSG2):c.861C>T (p.Asn287=)

Gene: DSG2 (desmoglein 2; plus strand). Cytogenetic location: 18q12.1.
Variant type: single nucleotide variant.
Coding change: c.861C>T on transcript NM_001943.5 (MANE Select); coding-DNA position 861, C replaced by T.
Protein change: p.Asn287=; no amino-acid change (asparagine 287 retained).
Molecular consequence: synonymous variant.
Genome position (GRCh38, 1-based): chr18:31,524,735, C>T. VCF-style: chr18-31524735-C-T. GRCh37 (hg19) VCF-style: chr18-29104698-C-T.
Other names: p.Asn287=.
Identifiers: ClinVar variation 44329 (VCV000044329.40), dbSNP rs2230233, ClinGen allele CA022299.

ClinVar aggregate classification (germline): Benign. Review status: criteria provided, multiple submitters, no conflicts (2 of 4 stars). 18 submissions from 18 submitters: Benign (12). 6 of the submissions do not count toward it. Last evaluated 2026-02-04.

Conditions:
Cardiovascular phenotype. Identifiers: MedGen CN230736.
Arrhythmogenic right ventricular cardiomyopathy (ARVD). Also called: Arrhythmogenic cardiomyopathy; Arrhythmogenic Right Ventricular Cardiomyopathy (ARVC); Cardiomyopathy, ARVC; Arrhythmogenic right ventricular dysplasia. Identifiers: Orphanet 247, MedGen C0349788, MeSH D019571, MONDO:0016587. Disease mechanism: loss of function. Inheritance: Various modes of inheritance.
Cardiomyopathy (CMYO). Also called: Cardiomyopathies. Identifiers: Orphanet 167848, MedGen C0878544, MONDO:0004994, HP:0001638. Inheritance: Various modes of inheritance.
Arrhythmogenic right ventricular dysplasia 10. Also called: Arrhythmogenic right ventricular dysplasia/cardiomyopathy, type 10; ARRHYTHMOGENIC RIGHT VENTRICULAR DYSPLASIA, FAMILIAL, 10; Arrhythmogenic Right Ventricular Dysplasia/Cardiomyopathy10. Identifiers: MedGen C1857777, MONDO:0012434, OMIM 610193.

Allele frequency attached by ClinVar (database versions not stated): gnomAD exomes 0.38662 and 0.40742; ExAC 0.41164; gnomAD 0.49941 and 0.50779; ESP Exome Variant Server 0.50588; TOPMed 0.51347; 1000 Genomes Project 0.52656; 1000 Genomes Project 30x 0.53404.
gnomAD v4.1: 642,052 of 1,613,824 alleles (40%); highest among the groups gnomAD compares: African/African-American, 79%; 135,503 homozygotes.

Submissions (18):

Labcorp Genetics (formerly Invitae), Labcorp
Classification: Benign for Arrhythmogenic right ventricular dysplasia 10. Last evaluated: 2026-02-04. Review status: criteria provided, single submitter. Criteria: Invitae Variant Classification Sherloc (09022015). Collection method: clinical testing. Allele origin: germline.

Molecular Diagnostic Laboratory for Inherited Cardiovascular Disease, Montreal Heart Institute
Classification: Benign. Last evaluated: 2025-04-09. Review status: criteria provided, single submitter. Criteria: ACMG Guidelines, 2015. Collection method: clinical testing. Allele origin: germline. Affected: no.

Blueprint Genetics
Classification: Benign. Last evaluated: 2024-11-28. Review status: criteria provided, single submitter. Criteria: ACMG Guidelines, 2015. Collection method: clinical testing. Allele origin: germline.

All of Us Research Program, National Institutes of Health
Classification: Benign for Arrhythmogenic right ventricular cardiomyopathy. Last evaluated: 2024-10-02. Review status: criteria provided, single submitter. Criteria: ACMG Guidelines, 2015. Collection method: clinical testing. Allele origin: germline. Inheritance: Autosomal dominant inheritance. Observed: 92,451 variant alleles, 65,954 heterozygotes, 26,475 homozygotes, 22 hemizygotes.
Comment: This study involves interpretation of variants in research participants for the purpose of population health screening. Participant phenotype was not available at the time of variant classification. Additional details can be found in publication PMID: 35346344, PMCID: PMC8962531

Color Diagnostics, LLC DBA Color Health
Classification: Benign for Cardiomyopathy. Last evaluated: 2018-04-08. Review status: criteria provided, single submitter. Criteria: ACMG Guidelines, 2015. Collection method: clinical testing. Allele origin: germline.

Illumina Laboratory Services, Illumina
Classification: Benign for Arrhythmogenic right ventricular dysplasia 10. Last evaluated: 2018-01-12. Review status: criteria provided, single submitter. Criteria: ICSL Variant Classification Criteria 13 December 2019. Collection method: clinical testing. Allele origin: germline.
Comment: This variant was observed in the ICSL laboratory as part of a predisposition screen in an ostensibly healthy population. It had not been previously curated by ICSL or reported in the Human Gene Mutation Database (HGMD: prior to June 1st, 2018), and was therefore a candidate for classification through an automated scoring system. Utilizing variant allele frequency, disease prevalence and penetrance estimates, and inheritance mode, an automated score was calculated to assess if this variant is too frequent to cause the disease. Based on the score and internal cut-off values, a variant classified as benign is not then subjected to further curation. The score for this variant resulted in a classification of benign for this disease.

Ambry Genetics
Classification: Benign for Cardiovascular phenotype. Last evaluated: 2015-03-09. Review status: criteria provided, single submitter. Criteria: Ambry Variant Classification Scheme 2023. Collection method: clinical testing. Allele origin: germline.

GeneDx
Classification: Benign. Last evaluated: 2015-03-03. Review status: criteria provided, single submitter. Criteria: GeneDx Variant Classification Process June 2021. Collection method: clinical testing. Allele origin: germline. Affected: yes.

Mayo Clinic Laboratories, Mayo Clinic
Classification: Benign. Last evaluated: 2014-02-25. Review status: criteria provided, single submitter. Criteria: ACMG Guidelines, 2015. Collection method: clinical testing. Allele origin: germline. Observed: 862 variant alleles.

Laboratory for Molecular Medicine, Mass General Brigham Personalized Medicine
Classification: Benign. Last evaluated: 2007-11-06. Review status: criteria provided, single submitter. Criteria: LMM Criteria. Collection method: clinical testing. Allele origin: germline. Observed: 1,331 variant alleles.

Breakthrough Genomics
Classification: Benign. Review status: criteria provided, single submitter. Criteria: ACMG Guidelines, 2015. Collection method: not provided. Allele origin: germline. Inheritance: Autosomal recessive inheritance. Affected: yes.

PreventionGenetics, part of Exact Sciences
Classification: Benign. Review status: criteria provided, single submitter. Criteria: ACMG Guidelines, 2015. Collection method: clinical testing. Allele origin: germline.

Cohesion Phenomics
Classification: Benign for Cardiomyopathy. Last evaluated: 2022-09-23. Review status: no assertion criteria provided. Criteria: ACMG Guidelines, 2015. Collection method: clinical testing. Allele origin: germline. Affected: yes. Not counted in ClinVar's aggregate classification.

Clinical Genetics DNA and cytogenetics Diagnostics Lab, Erasmus MC, Erasmus Medical Center
Classification: Benign. Review status: no assertion criteria provided. Collection method: clinical testing. Allele origin: germline. Affected: yes. Study: VKGL Data-share Consensus. Not counted in ClinVar's aggregate classification.

Clinical Genetics, Academic Medical Center
Classification: Benign. Review status: no assertion criteria provided. Collection method: clinical testing. Allele origin: germline. Affected: yes. Study: VKGL Data-share Consensus. Not counted in ClinVar's aggregate classification.

Diagnostic Laboratory, Department of Genetics, University Medical Center Groningen
Classification: Benign. Review status: no assertion criteria provided. Collection method: clinical testing. Allele origin: germline. Affected: yes. Study: VKGL Data-share Consensus. Not counted in ClinVar's aggregate classification.

Genome Diagnostics Laboratory, University Medical Center Utrecht
Classification: Benign. Review status: no assertion criteria provided. Collection method: clinical testing. Allele origin: germline. Affected: yes. Study: VKGL Data-share Consensus. Not counted in ClinVar's aggregate classification.

Joint Genome Diagnostic Labs from Nijmegen and Maastricht, Radboudumc and MUMC+
Classification: Benign. Review status: no assertion criteria provided. Collection method: clinical testing. Allele origin: germline. Affected: yes. Study: VKGL Data-share Consensus. Not counted in ClinVar's aggregate classification.